The following is an entry in ClinVar:

ClinVar aggregate classification (germline): Uncertain significance. Review status: criteria provided, multiple submitters, no conflicts (2 of 4 stars). 2 submissions from 2 submitters: Uncertain significance (2). Last evaluated 2023-01-01.

Allele frequency attached by ClinVar (database versions not stated): TOPMed below 0.00001; ESP Exome Variant Server 0.00008.
gnomAD v4.1: 1 of 1,612,880 alleles (0.000062%); highest among the groups gnomAD compares: Non-Finnish European, 0.000085%; no homozygotes.

Submissions (2):

CeGaT Center for Human Genetics Tuebingen
Classification: Uncertain significance. Last evaluated: 2023-01-01. Review status: criteria provided, single submitter. Criteria: CeGaT Center For Human Genetics Tuebingen Variant Classification Criteria Version 2. Collection method: clinical testing. Allele origin: germline. Affected: yes. Observed: 1 variant allele.
Comment: MYO7A: PM2, BP4

Eurofins Ntd Llc (ga)
Classification: Uncertain significance. Last evaluated: 2016-10-18. Review status: criteria provided, single submitter. Criteria: EGL Classification Definitions 2015. Collection method: clinical testing. Allele origin: germline. Observed: 1 variant allele, 1 heterozygote.

NM_000260.4(MYO7A):c.4192G>A (p.Val1398Ile)

Gene: MYO7A (myosin VIIA; plus strand). Cytogenetic location: 11q13.5.
Variant type: single nucleotide variant.
Coding change: c.4192G>A on transcript NM_000260.4 (MANE Select); coding-DNA position 4192, G replaced by A.
Protein change: p.Val1398Ile; replaces valine 1398 with isoleucine.
Molecular consequence: missense variant.
Genome position (GRCh38, 1-based): chr11:77,194,393, G>A. VCF-style: chr11-77194393-G-A. GRCh37 (hg19) VCF-style: chr11-76905438-G-A.
Other names: c.4192G>A, p.Val1398Ile (NM_001127180.2); c.4159G>A, p.Val1387Ile (NM_001369365.1); short protein forms V1398I, V1387I.
Identifiers: ClinVar variation 497472 (VCV000497472.29), dbSNP rs369189548, ClinGen allele CA224847166.
Genomic context (GRCh38, chr11:77,194,393, plus strand): 5'-CCGAGGCCTCCCCCCACCTAGGAGGACGACCTGGCTGAGCTGGCCTCCCAGCAGTACTTT[G>A]TAGACTATGGCTCTGAGATGATCCTGGAGCGCCTCCTGAACCTCGTGCCCACCTACATCC-3'
Protein context (NP_000251.3, residues 1388-1408): LAELASQQYF[Val1398Ile]DYGSEMILER